The following is an entry in ClinVar:

NM_000092.5(COL4A4):c.842T>C (p.Val281Ala)

Gene: COL4A4 (collagen type IV alpha 4 chain; minus strand). Cytogenetic location: 2q36.3.
Variant type: single nucleotide variant.
Coding change: c.842T>C on transcript NM_000092.5 (MANE Select); coding-DNA position 842, T replaced by C.
Protein change: p.Val281Ala; replaces valine 281 with alanine.
Molecular consequence: missense variant.
Genome position (GRCh38, 1-based): chr2:227,103,172, A>G on the plus strand (T>C on the coding strand, the complement: COL4A4 is on the minus strand). VCF-style: chr2-227103172-A-G. GRCh37 (hg19) VCF-style: chr2-227967888-A-G.
Other names: short protein forms V281A.
Identifiers: ClinVar variation 4838350 (VCV004838350.1).

ClinVar aggregate classification (germline): Uncertain significance (1 of 4 stars; one submission).

Conditions:
Inborn genetic diseases. Identifiers: MedGen C0950123, MeSH D030342.

gnomAD v4.1: 6 of 1,613,078 alleles (0.00037%); highest among the groups gnomAD compares: Admixed American, 0.0033%; no homozygotes.

Submission:

Ambry Genetics
Classification: Uncertain significance for Inborn genetic diseases. Last evaluated: 2025-12-22. Review status: criteria provided, single submitter. Criteria: Ambry Variant Classification Scheme 2023. Collection method: clinical testing. Allele origin: germline.
Comment: The c.842T>C (p.V281A) alteration is located in exon 14 (coding exon 13) of the COL4A4 gene. This alteration results from a T to C substitution at nucleotide position 842, causing the valine (V) at amino acid position 281 to be replaced by an alanine (A). Based on data from gnomAD, the C allele has an overall frequency of <0.001% (1/248960) total alleles studied. The highest observed frequency was 0.003% (1/34452) of Latino alleles. Based on insufficient or conflicting evidence, the clinical significance of this alteration remains unclear.